The following is an entry in ClinVar:

ClinVar aggregate classification (germline): Benign/Likely benign. Review status: criteria provided, multiple submitters, no conflicts (2 of 4 stars). 12 submissions from 9 submitters: Benign (5); Likely benign (7). Last evaluated 2026-09-01.

Conditions:
TTN-related disorder. Also called: TTN-related disorders; TTN-related condition; TTN-related disease.
Cardiovascular phenotype. Identifiers: MedGen CN230736.
Autosomal recessive limb-girdle muscular dystrophy type 2J (LGMDR10). Also called: MUSCULAR DYSTROPHY, LIMB-GIRDLE, AUTOSOMAL RECESSIVE 10; Limb-girdle muscular dystrophy, type 2J. Identifiers: Orphanet 140922, MedGen C1837342, MONDO:0012127, OMIM 608807.
Dilated cardiomyopathy 1G (CMD1G). Identifiers: Orphanet 154, MedGen C1858763, MONDO:0011400, OMIM 604145.
Cardiomyopathy (CMYO). Also called: Cardiomyopathies. Identifiers: Orphanet 167848, MedGen C0878544, MONDO:0004994, HP:0001638. Inheritance: Various modes of inheritance.
Early-onset myopathy with fatal cardiomyopathy (CMYO5). Also called: CONGENITAL MYOPATHY 5 WITH CARDIOMYOPATHY; Salih Myopathy. Identifiers: Orphanet 289377, MedGen C2673677, MONDO:0012714, OMIM 611705. Disease mechanism: loss of function.
Myopathy, myofibrillar, 9, with early respiratory failure (MFM9). Also called: Myopathy, distal, with early respiratory failure, autosomal dominant; Hereditary myopathy with early respiratory failure; EDSTROM MYOPATHY; MYOPATHY, PROXIMAL, WITH EARLY RESPIRATORY MUSCLE INVOLVEMENT. Identifiers: Orphanet 178464, Orphanet 34521, MedGen C1863599, MONDO:0011362, OMIM 603689.
Tibial muscular dystrophy (TMD). Also called: Tibial muscular dystrophy, tardive; Udd Distal Myopathy – Tibial Muscular Dystrophy; UDD MYOPATHY. Identifiers: Orphanet 609, MedGen C1838244, MONDO:0010870, OMIM 600334.

Allele frequency attached by ClinVar (database versions not stated): ExAC 0.00002; gnomAD exomes 0.00006; TOPMed 0.00002.
gnomAD v4.1: 53 of 1,613,242 alleles (0.0033%); highest among the groups gnomAD compares: Admixed American, 0.018%; no homozygotes.

Submissions (12):

CeGaT Center for Human Genetics Tuebingen
Classification: Likely benign. Last evaluated: 2026-09-01. Review status: criteria provided, single submitter. Criteria: CeGaT Center For Human Genetics Tuebingen Variant Classification Criteria Version 2. Collection method: clinical testing. Allele origin: germline. Affected: yes. Observed: 1 variant allele.
Comment: TTN: BP4, BP7

PreventionGenetics, part of Exact Sciences
Classification: Likely benign for TTN-related condition. Last evaluated: 2026-07-27. Review status: criteria provided, single submitter. Criteria: ACMG Guidelines, 2015. Collection method: clinical testing. Allele origin: germline.
Comment: This variant is classified as likely benign based on ACMG/AMP sequence variant interpretation guidelines (Richards et al. 2015 PMID: 25741868, with internal and published modifications).

Labcorp Genetics (formerly Invitae), Labcorp
Classification: Likely benign for Dilated cardiomyopathy 1G; Autosomal recessive limb-girdle muscular dystrophy type 2J. Last evaluated: 2025-11-24. Review status: criteria provided, single submitter. Criteria: Invitae Variant Classification Sherloc (09022015). Collection method: clinical testing. Allele origin: germline.

CHEO Genetics Diagnostic Laboratory, Children's Hospital of Eastern Ontario
Classification: Likely benign for Cardiomyopathy. Last evaluated: 2023-06-06. Review status: criteria provided, single submitter. Criteria: ACMG Guidelines, 2015. Collection method: clinical testing. Allele origin: germline.

Ambry Genetics
Classification: Likely benign for Cardiovascular phenotype. Last evaluated: 2022-08-03. Review status: criteria provided, single submitter. Criteria: Ambry Variant Classification Scheme 2023. Collection method: clinical testing. Allele origin: germline.

Genome-Nilou Lab
Classification: Benign for Autosomal recessive limb-girdle muscular dystrophy type 2J. Last evaluated: 2021-09-10. Review status: criteria provided, single submitter. Criteria: ACMG Guidelines, 2015. Collection method: clinical testing. Allele origin: germline. Affected: no.

Genome-Nilou Lab
Classification: Benign for Myopathy, myofibrillar, 9, with early respiratory failure. Last evaluated: 2021-09-10. Review status: criteria provided, single submitter. Criteria: ACMG Guidelines, 2015. Collection method: clinical testing. Allele origin: germline. Affected: no.

Genome-Nilou Lab
Classification: Benign for Early-onset myopathy with fatal cardiomyopathy. Last evaluated: 2021-09-10. Review status: criteria provided, single submitter. Criteria: ACMG Guidelines, 2015. Collection method: clinical testing. Allele origin: germline. Affected: no.

Genome-Nilou Lab
Classification: Benign for Tibial muscular dystrophy. Last evaluated: 2021-09-10. Review status: criteria provided, single submitter. Criteria: ACMG Guidelines, 2015. Collection method: clinical testing. Allele origin: germline. Affected: no.

Athena Diagnostics
Classification: Benign. Last evaluated: 2018-06-11. Review status: criteria provided, single submitter. Criteria: Athena Diagnostics Criteria. Collection method: clinical testing. Allele origin: germline.

GeneDx
Classification: Likely benign. Last evaluated: 2018-04-12. Review status: criteria provided, single submitter. Criteria: GeneDx Variant Classification Process June 2021. Collection method: clinical testing. Allele origin: germline. Affected: yes.
Comment: This variant is associated with the following publications: (PMID: 24503780)

Laboratory for Molecular Medicine, Mass General Brigham Personalized Medicine
Classification: Likely benign. Last evaluated: 2016-05-18. Review status: criteria provided, single submitter. Criteria: LMM Criteria. Collection method: clinical testing. Allele origin: germline. Observed: 2 variant alleles.
Comment: p.Thr20867Thr in exon 275 of TTN: This variant is not expected to have clinical significance because it does not alter an amino acid residue. It has been ident ified in 1/66632 European chromosomes by the Exome Aggregation Consortium (ExAC; dbSNP rs397517684).

NM_001267550.2(TTN):c.70305G>A (p.Thr23435=)

Genes: TTN (titin; minus strand), TTN-AS1 (TTN antisense RNA 1; plus strand), LOC126806422 (BRD4-independent group 4 enhancer GRCh37_chr2:179440205-179441404; plus strand). Cytogenetic location: 2q31.2.
Variant type: single nucleotide variant.
Coding change: c.70305G>A on transcript NM_001267550.2 (MANE Select); coding-DNA position 70305, G replaced by A.
Protein change: p.Thr23435=; no amino-acid change (threonine 23435 retained).
Molecular consequence: synonymous variant.
Genome position (GRCh38, 1-based): chr2:178,575,827, C>T on the plus strand (G>A on the coding strand, the complement: TTN is on the minus strand). VCF-style: chr2-178575827-C-T. GRCh37 (hg19) VCF-style: chr2-179440554-C-T.
Other names: c.65382G>A, p.Thr21794= (NM_001256850.1); c.62601G>A, p.Thr20867= (NM_133378.4); c.43110G>A, p.Thr14370= (NM_003319.4); c.43485G>A, p.Thr14495= (NM_133432.3); c.43686G>A, p.Thr14562= (NM_133437.4).
Identifiers: ClinVar variation 47284 (VCV000047284.23), dbSNP rs397517684, ClinGen allele CA140570.